The following is an entry in ClinVar:

ClinVar aggregate classification (germline): Conflicting classifications of pathogenicity. Review status: criteria provided, conflicting classifications (1 of 4 stars). 8 submissions from 7 submitters: Pathogenic (2); Uncertain significance (6). Last evaluated 2026-04-20.

Conditions:
Familial thoracic aortic aneurysm and aortic dissection (TAAD). Also called: Thoracic aortic aneurysms and dissections. Identifiers: Orphanet 91387, MedGen C4707243, MONDO:0019625.
Marfan syndrome (MFS). Also called: Marfan syndrome, classic; Marfan syndrome type 1; Marfan's syndrome; FBN1-Related Marfan Syndrome; MARFAN SYNDROME, TYPE I. Identifiers: Orphanet 284963, Orphanet 558, MedGen C0024796, MONDO:0007947, OMIM 154700.
Geleophysic dysplasia 2 (GPHYSD2). Identifiers: Orphanet 2623, MedGen C3280054, MONDO:0013612, OMIM 614185.
Acromicric dysplasia (ACMICD). Also called: Acromicric skeletal dysplasia. Identifiers: Orphanet 969, MedGen C0265287, MONDO:0007055, OMIM 102370.
Marfan Syndrome/Loeys-Dietz Syndrome/Familial Thoracic Aortic Aneurysms and Dissections. Identifiers: MedGen CN229799.

Allele frequency attached by ClinVar (database versions not stated): ExAC 0.00001; gnomAD exomes below 0.00001 and 0.00002; TOPMed 0.00001.
gnomAD v4.1: 22 of 1,613,670 alleles (0.0014%); highest among the groups gnomAD compares: Middle Eastern, 0.017%; no homozygotes.

Submissions (8):

Women's Health and Genetics/Laboratory Corporation of America, LabCorp
Classification: Pathogenic for Marfan Syndrome/Loeys-Dietz Syndrome/Familial Thoracic Aortic Aneurysms and Dissections. Last evaluated: 2026-04-20. Review status: criteria provided, single submitter. Criteria: LabCorp Variant Classification Summary - May 2015. Collection method: clinical testing. Allele origin: germline.
Comment: Variant summary: FBN1 c.3766A>G (p.Asn1256Asp) results in a conservative amino acid change in the encoded protein sequence. Algorithms developed to predict the effect of missense changes on protein structure and function are either unavailable or do not agree on the potential impact of this missense change. The variant allele was found at a frequency of 4e-06 in 251136 control chromosomes. c.3766A>G has been observed in individual(s) affected with clinical features and/or diagnosis of Marfan Syndrome (e.g. Seo_2018, internal data). To our knowledge, no experimental evidence demonstrating an impact on protein function has been reported. A different variant affecting the same codon has been classified as likely pathogenic/pathogenic (c.3766A>C, p.Asn1256His) by our lab, supporting the critical relevance of codon 1256 to FBN1 protein function. Additionally, internally validated machine learning-based Evidence Modeling of protein sequence and biophysical properties (such as structural, functional, and spatial information, amino acid conservation, physicochemical variation, residue mobility, and thermodynamic stability) indicates that this missense variant is expected to disrupt protein function with a positive predictive value of at least 95%. The following publication has been ascertained in the context of this evaluation (PMID: 29768367). ClinVar contains an entry for this variant (Variation ID: 921344). Based on the evidence outlined above, the variant was classified as pathogenic.

Ambry Genetics
Classification: Uncertain significance for Familial thoracic aortic aneurysm and aortic dissection. Last evaluated: 2026-03-26. Review status: criteria provided, single submitter. Criteria: Ambry Variant Classification Scheme 2023. Collection method: clinical testing. Allele origin: germline.
Comment: The p.N1256D variant (also known as c.3766A>G), located in coding exon 30 of the FBN1 gene, results from an A to G substitution at nucleotide position 3766. The asparagine at codon 1256 is replaced by aspartic acid, an amino acid with highly similar properties. This variant was reported in individual(s) with features consistent with Marfan syndrome; however, clinical details were limited in some cases (Seo GH et al. Medicine (Baltimore), 2018 May;97:e10767; Ambry internal data). This variant alters a conserved residue in the calcium-binding consensus sequence of a cbEGF domain and is expected to disrupt FBN1 function (Handford PA et al. Nature. 1991; 351(6322):164-7). This amino acid position is highly conserved in available vertebrate species. In addition, the in silico prediction for this alteration is inconclusive. Based on the available evidence, the clinical significance of this variant remains unclear.

Labcorp Genetics (formerly Invitae), Labcorp
Classification: Pathogenic for Marfan syndrome; Familial thoracic aortic aneurysm and aortic dissection. Last evaluated: 2025-10-14. Review status: criteria provided, single submitter. Criteria: Invitae Variant Classification Sherloc (09022015). Collection method: clinical testing. Allele origin: germline.
Comment: This sequence change replaces asparagine, which is neutral and polar, with aspartic acid, which is acidic and polar, at codon 1256 of the FBN1 protein (p.Asn1256Asp). This variant is present in population databases (rs772890884, gnomAD 0.0009%). This missense change has been observed in individuals with clinical features of Marfan syndrome (PMID: 29768367; internal data). ClinVar contains an entry for this variant (Variation ID: 921344). Invitae Evidence Modeling of protein sequence and biophysical properties (such as structural, functional, and spatial information, amino acid conservation, physicochemical variation, residue mobility, and thermodynamic stability) indicates that this missense variant is expected to disrupt FBN1 protein function with a positive predictive value of 95%. This variant disrupts the p.Asn1256His amino acid residue in FBN1. Other variant(s) that disrupt this residue have been determined to be pathogenic (internal data). This suggests that this residue is clinically significant, and that variants that disrupt this residue are likely to be disease-causing. For these reasons, this variant has been classified as Pathogenic.

Color Diagnostics, LLC DBA Color Health
Classification: Uncertain significance for Familial thoracic aortic aneurysm and aortic dissection. Last evaluated: 2025-07-11. Review status: criteria provided, single submitter. Criteria: ACMG Guidelines, 2015. Collection method: clinical testing. Allele origin: germline.
Comment: This missense variant replaces asparagine with aspartic acid at codon 1256 of the FBN1 protein. Computational prediction suggests that this variant may have a deleterious impact on protein structure and function. To our knowledge, functional studies have not been reported for this variant. This variant has been reported in an individual suspected to be affected with Marfan syndrome but not meeting Ghent criteria (PMID: 29768367). This variant has been identified in 1/251136 chromosomes in the general population by the Genome Aggregation Database (gnomAD). The available evidence is insufficient to determine the role of this variant in disease conclusively. Therefore, this variant is classified as a Variant of Uncertain Significance.

All of Us Research Program, National Institutes of Health
Classification: Uncertain significance for Marfan syndrome. Last evaluated: 2023-08-15. Review status: criteria provided, single submitter. Criteria: ACMG Guidelines, 2015. Collection method: clinical testing. Allele origin: germline. Inheritance: Autosomal dominant inheritance. Observed: 2 variant alleles, 2 heterozygotes.
Comment: Variant of Uncertain Significance due to insufficient evidence: This missense variant replaces asparagine with aspartic acid at codon 1256 of the FBN1 protein. Computational prediction tools and conservation analyses suggest that this variant may have deleterious impact on the protein function. Computational splicing tools suggest that this variant may not impact RNA splicing. To our knowledge, functional assays have not been performed for this variant nor has this variant been reported in individuals affected with cardiovascular disorders in the literature. This variant has been identified in 1/245904 chromosomes in the general population by the Genome Aggregation Database (gnomAD). Available evidence is insufficient to determine the role of this variant in disease conclusively.

This study involves interpretation of variants in research participants for the purpose of population health screening. Participant phenotype was not available at the time of variant classification. Additional details can be found in publication PMID: 35346344, PMCID: PMC8962531

Blueprint Genetics
Classification: Uncertain significance. Last evaluated: 2022-06-23. Review status: criteria provided, single submitter. Criteria: ACMG Guidelines, 2015. Collection method: clinical testing. Allele origin: germline.

Molecular Lab, Department of Haematology, Christian Medical College
Classification: Uncertain significance for Geleophysic dysplasia 2. Last evaluated: 2022-05-20. Review status: criteria provided, single submitter. Criteria: ACMG Guidelines, 2015. Collection method: clinical testing. Allele origin: germline. Affected: yes. Observed: 1 variant allele.

Molecular Lab, Department of Haematology, Christian Medical College
Classification: Uncertain significance for Acromicric dysplasia. Last evaluated: 2022-05-20. Review status: criteria provided, single submitter. Criteria: ACMG Guidelines, 2015. Collection method: clinical testing. Allele origin: germline. Affected: yes. Observed: 1 variant allele.

Literature cited by the submitters: PubMed 29768367 (cited by 4 submitters).

NM_000138.5(FBN1):c.3766A>G (p.Asn1256Asp)

Gene: FBN1 (fibrillin 1; minus strand). Cytogenetic location: 15q21.1.
Variant type: single nucleotide variant.
Coding change: c.3766A>G on transcript NM_000138.5 (MANE Select); coding-DNA position 3766, A replaced by G.
Protein change: p.Asn1256Asp; replaces asparagine 1256 with aspartic acid.
Molecular consequence: missense variant.
Genome position (GRCh38, 1-based): chr15:48,483,890, T>C on the plus strand (A>G on the coding strand, the complement: FBN1 is on the minus strand). VCF-style: chr15-48483890-T-C. GRCh37 (hg19) VCF-style: chr15-48776087-T-C.
Other names: short protein forms N1256D.
Identifiers: ClinVar variation 921344 (VCV000921344.16), dbSNP rs772890884, ClinGen allele CA051509.